The following is an entry in ClinVar:

NM_000384.3(APOB):c.11792T>C (p.Leu3931Ser)

Gene: APOB (apolipoprotein B; minus strand). Cytogenetic location: 2p24.1.
Variant type: single nucleotide variant.
Coding change: c.11792T>C on transcript NM_000384.3 (MANE Select); coding-DNA position 11792, T replaced by C.
Protein change: p.Leu3931Ser; replaces leucine 3931 with serine.
Molecular consequence: missense variant.
Genome position (GRCh38, 1-based): chr2:21,004,672, A>G on the plus strand (T>C on the coding strand, the complement: APOB is on the minus strand). VCF-style: chr2-21004672-A-G. GRCh37 (hg19) VCF-style: chr2-21227544-A-G.
Other names: short protein forms L3931S.
Identifiers: ClinVar variation 629950 (VCV000629950.7), dbSNP rs1558560211, ClinGen allele CA345976937.

ClinVar aggregate classification (germline): Uncertain significance (1 of 4 stars; one submission).

Conditions:
Cardiovascular phenotype. Identifiers: MedGen CN230736.

Allele frequency attached by ClinVar (database versions not stated): gnomAD exomes below 0.00001.
gnomAD v4.1: 2 of 1,608,342 alleles (0.00012%); highest among the groups gnomAD compares: Non-Finnish European, 0.00017%; no homozygotes.

Submission:

Ambry Genetics
Classification: Uncertain significance for Cardiovascular phenotype. Last evaluated: 2025-06-30. Review status: criteria provided, single submitter. Criteria: Ambry Variant Classification Scheme 2023. Collection method: clinical testing. Allele origin: germline.
Comment: The p.L3931S variant (also known as c.11792T>C), located in coding exon 27 of the APOB gene, results from a T to C substitution at nucleotide position 11792. The leucine at codon 3931 is replaced by serine, an amino acid with dissimilar properties. This amino acid position is poorly conserved in available vertebrate species. In addition, this alteration is predicted to be tolerated by in silico analysis. Since supporting evidence is limited at this time, the clinical significance of this alteration remains unclear.